The following is an entry in ClinVar:

NM_001042603.3(KDM5A):c.779-14C>G

Gene: KDM5A (lysine demethylase 5A; minus strand). Cytogenetic location: 12p13.33.
Variant type: single nucleotide variant.
Coding change: c.779-14C>G on transcript NM_001042603.3 (MANE Select); 14 bases into the intron before coding-DNA position 779, C replaced by G.
Molecular consequence: intron variant.
Genome position (GRCh38, 1-based): chr12:355,263, G>C on the plus strand (C>G on the coding strand, the complement: KDM5A is on the minus strand). VCF-style: chr12-355263-G-C. GRCh37 (hg19) VCF-style: chr12-464429-G-C.
Identifiers: ClinVar variation 4976434 (VCV004976434.1).
Genomic context (GRCh38, chr12:355,263, plus strand): 5'-AAATGCGTCTGACCTGTTGGTAACTTTTCGTCTTCGGGTGACCTCATCTTGAAATAAAAA[G>C]TTACACAATAATAGTAAAAACCAATGTTGAGAGCTTACTATGGACCAGACACTATTTAAA-3'

ClinVar aggregate classification (germline): Uncertain significance (1 of 4 stars; one submission).

Submission:

GeneDx
Classification: Uncertain significance. Last evaluated: 2026-02-11. Review status: criteria provided, single submitter. Criteria: GeneDx Variant Classification Process June 2021. Collection method: clinical testing. Allele origin: germline.
Comment: Not observed at significant frequency in large population cohorts (gnomAD); In silico analysis supports a deleterious effect on splicing; Has not been previously published as pathogenic or benign to our knowledge